The following is an entry in ClinVar:

ClinVar aggregate classification (germline): Uncertain significance. Review status: criteria provided, multiple submitters, no conflicts (2 of 4 stars). 4 submissions from 4 submitters: Uncertain significance (4). Last evaluated 2024-05-31.

Allele frequency attached by ClinVar (database versions not stated): ExAC 0.00013; ESP Exome Variant Server 0.00015; gnomAD 0.00017; gnomAD exomes 0.00021 and 0.00043; TOPMed 0.00023.
gnomAD v4.1: 641 of 1,612,906 alleles (0.04%); highest among the groups gnomAD compares: Non-Finnish European, 0.052%; no homozygotes.

Submissions (4):

Women's Health and Genetics/Laboratory Corporation of America, LabCorp
Classification: Uncertain significance. Last evaluated: 2024-05-31. Review status: criteria provided, single submitter. Criteria: LabCorp Variant Classification Summary - May 2015. Collection method: clinical testing. Allele origin: germline.
Comment: Variant summary: GRM1 c.1689A>C (p.Lys563Asn) results in a non-conservative amino acid change located in the GPCR, family 3, nine cysteines domain (IPR011500) of the encoded protein sequence. Four of five in-silico tools predict a damaging effect of the variant on protein function. The variant allele was found at a frequency of 0.00021 in 251254 control chromosomes (gnomAD). This frequency is not significantly higher than estimated for a pathogenic variant in GRM1 causing Autosomal Recessive Spinocerebellar Ataxia 13, allowing no conclusion about variant significance. c.1689A>C has been reported in the literature in individuals affected with schizophrenia and bipolar disorder (Frank_2011). These report(s) do not provide unequivocal conclusions about association of the variant with Autosomal Recessive Spinocerebellar Ataxia 13. At least two publications reports experimental evidence evaluating an impact on protein function and these results showed no damaging effect of this variant (Frank_2011, Cho_2014). The following publications have been ascertained in the context of this evaluation (PMID: 25137254, 21559497). ClinVar contains an entry for this variant (Variation ID: 804879). Based on the evidence outlined above, the variant was classified as uncertain significance.

GeneDx
Classification: Uncertain significance. Last evaluated: 2024-05-09. Review status: criteria provided, single submitter. Criteria: GeneDx Variant Classification Process June 2021. Collection method: clinical testing. Allele origin: germline. Affected: yes.
Comment: Reported previously in patients with schizophrenia and bipolar in published literature; however, this variant was also seen in a control sample (PMID: 21559497); Published functional studies demonstrate no damaging effect (PMID: 25137254, 21559497); In silico analysis supports that this missense variant has a deleterious effect on protein structure/function; This variant is associated with the following publications: (PMID: 26426481, 21559497, 25137254)

Labcorp Genetics (formerly Invitae), Labcorp
Classification: Uncertain significance. Last evaluated: 2022-12-22. Review status: criteria provided, single submitter. Criteria: Invitae Variant Classification Sherloc (09022015). Collection method: clinical testing. Allele origin: germline.
Comment: This sequence change replaces lysine, which is basic and polar, with asparagine, which is neutral and polar, at codon 563 of the GRM1 protein (p.Lys563Asn). This variant is present in population databases (rs372316073, gnomAD 0.04%). This variant has not been reported in the literature in individuals affected with GRM1-related conditions. ClinVar contains an entry for this variant (Variation ID: 804879). Algorithms developed to predict the effect of missense changes on protein structure and function (SIFT, PolyPhen-2, Align-GVGD) all suggest that this variant is likely to be disruptive. In summary, the available evidence is currently insufficient to determine the role of this variant in disease. Therefore, it has been classified as a Variant of Uncertain Significance.

Athena Diagnostics
Classification: Uncertain significance. Last evaluated: 2021-09-28. Review status: criteria provided, single submitter. Criteria: Athena Diagnostics Criteria. Collection method: clinical testing. Allele origin: unknown.

Literature cited by the submitters: PubMed 25137254 (cited by Women's Health and Genetics/Laboratory Corporation of America, LabCorp and Athena Diagnostics); PubMed 21559497 (cited by Women's Health and Genetics/Laboratory Corporation of America, LabCorp and Athena Diagnostics).

NM_001278064.2(GRM1):c.1689A>C (p.Lys563Asn)

Gene: GRM1 (glutamate metabotropic receptor 1; plus strand). Cytogenetic location: 6q24.3.
Variant type: single nucleotide variant.
Coding change: c.1689A>C on transcript NM_001278064.2 (MANE Select); coding-DNA position 1689, A replaced by C.
Protein change: p.Lys563Asn; replaces lysine 563 with asparagine.
Molecular consequence: missense variant.
Genome position (GRCh38, 1-based): chr6:146,386,976, A>C. VCF-style: chr6-146386976-A-C. GRCh37 (hg19) VCF-style: chr6-146708112-A-C.
Other names: c.1689A>C, p.Lys563Asn (NM_001278065.2, NM_001278066.1, NM_001278067.1); short protein forms K563N.
Identifiers: ClinVar variation 804879 (VCV000804879.12), dbSNP rs372316073, ClinGen allele CA4037341.